The following is an entry in ClinVar:

NM_020911.2(PLXNA4):c.4238T>C (p.Ile1413Thr)

Gene: PLXNA4 (plexin A4; minus strand). Cytogenetic location: 7q32.3.
Variant type: single nucleotide variant.
Coding change: c.4238T>C on transcript NM_020911.2 (MANE Select); coding-DNA position 4238, T replaced by C.
Protein change: p.Ile1413Thr; replaces isoleucine 1413 with threonine.
Molecular consequence: missense variant.
Genome position (GRCh38, 1-based): chr7:132,168,352, A>G on the plus strand (T>C on the coding strand, the complement: PLXNA4 is on the minus strand). VCF-style: chr7-132168352-A-G. GRCh37 (hg19) VCF-style: chr7-131853111-A-G.
Other names: c.4238T>C, p.Ile1413Thr (NM_001393897.1); short protein forms I1413T.
Identifiers: ClinVar variation 3354993 (VCV003354993.2).
Genomic context (GRCh38, chr7:132,168,352, plus strand): 5'-CTGCACCCTCACCTCCTGAGCAGCAGCTTAGGGTGGTTCTTGCTCTCCAGGTTCTTGTCA[A>G]TGAGGTCGGCCAGCAGCTGCTTCAGCACATCAGTGGCGTACTCCAGCTTGCTCTGCAGCA-3'
Protein context (NP_065962.1, residues 1403-1423): DVLKQLLADL[Ile1413Thr]DKNLESKNHP

ClinVar aggregate classification (germline): Uncertain significance (1 of 4 stars; one submission).

Conditions:
PLXNA4-related disorder. Also called: PLXNA4-related condition.

gnomAD v4.1: 12 of 1,603,046 alleles (0.00075%); highest among the groups gnomAD compares: African/African-American, 0.0027%; no homozygotes.

Submission:

PreventionGenetics, part of Exact Sciences
Classification: Uncertain significance for PLXNA4-related condition. Last evaluated: 2026-02-11. Review status: criteria provided, single submitter. Criteria: ACMG Guidelines, 2015. Collection method: clinical testing. Allele origin: germline.
Comment: The PLXNA4 c.4238T>C variant is predicted to result in the amino acid substitution p.Ile1413Thr. To our knowledge, this variant has not been reported in the literature. This variant is reported in 0.0034% of alleles in individuals of South Asian descent in gnomAD. At this time, the clinical significance of this variant is uncertain due to the absence of conclusive functional and genetic evidence.